The following is an entry in ClinVar:

ClinVar aggregate classification (germline): Likely benign. Review status: criteria provided, single submitter (1 of 4 stars). 2 submissions from 2 submitters: Likely benign (1). 1 of the submissions does not count toward it. Last evaluated 2023-12-11.

Allele frequency attached by ClinVar (database versions not stated): gnomAD exomes below 0.00001 and 0.00001; gnomAD 0.00001; TOPMed 0.00001.
gnomAD v4.1: 8 of 1,614,072 alleles (0.0005%); highest among the groups gnomAD compares: East Asian, 0.0022%; no homozygotes.

Submissions (2):

Labcorp Genetics (formerly Invitae), Labcorp
Classification: Likely benign. Last evaluated: 2023-12-11. Review status: criteria provided, single submitter. Criteria: Invitae Variant Classification Sherloc (09022015). Collection method: clinical testing. Allele origin: germline.

Department of Pathology and Laboratory Medicine, Sinai Health System
Classification: Uncertain significance. Review status: no assertion criteria provided. Collection method: clinical testing. Allele origin: unknown. Affected: yes. Study: The Canadian Open Genetics Repository (COGR). Not counted in ClinVar's aggregate classification.
Comment: The PAFAH1B1 p.Asn377Ser variant was not identified in the literature nor was it identified in the ClinVar, Cosmic, MutDB, and LOVD 3.0 databases. The variant was identified in dbSNP (ID: rs1167470350) as well as in control databases in 2 of 251488 chromosomes at a frequency of 0.000008 (Genome Aggregation Database Feb 27, 2017). The variant was observed in the following populations: South Asian in 1 of 30616 chromosomes (freq: 0.000033), European (Non-Finnish) in 1 of 113762 chromosomes (freq: 0.000009), while the variant was not observed in the African, Latino, Ashkenazi Jewish, East Asian, European (Finnish), and Other populations. The p.Asn377 residue is conserved in mammals but not in more distantly related organisms, however four out of five computational analyses (PolyPhen-2, SIFT, AlignGVGD, and BLOSUM) do not suggest a high likelihood of impact to the protein; this information is not predictive enough to rule out pathogenicity. The variant occurs outside of the splicing consensus sequence and in silico or computational prediction software programs (SpliceSiteFinder, MaxEntScan, NNSPLICE, and GeneSplicer) do not predict a difference in splicing. In summary, based on the above information the clinical significance of this variant cannot be determined with certainty at this time. This variant is classified as a variant of uncertain significance.

NM_000430.4(PAFAH1B1):c.1130A>G (p.Asn377Ser)

Gene: PAFAH1B1 (platelet activating factor acetylhydrolase 1b regulatory subunit 1; plus strand). Cytogenetic location: 17p13.3.
Variant type: single nucleotide variant.
Coding change: c.1130A>G on transcript NM_000430.4 (MANE Select); coding-DNA position 1130, A replaced by G.
Protein change: p.Asn377Ser; replaces asparagine 377 with serine.
Molecular consequence: missense variant.
Genome position (GRCh38, 1-based): chr17:2,680,291, A>G. VCF-style: chr17-2680291-A-G. GRCh37 (hg19) VCF-style: chr17-2583585-A-G.
Other names: short protein forms N377S.
Identifiers: ClinVar variation 1050328 (VCV001050328.4), dbSNP rs1167470350, ClinGen allele CA397642809.